The following is an entry in ClinVar:

NM_052947.4(ALPK2):c.2808C>A (p.Asn936Lys)

Gene: ALPK2 (alpha kinase 2; minus strand). Cytogenetic location: 18q21.31.
Variant type: single nucleotide variant.
Coding change: c.2808C>A on transcript NM_052947.4 (MANE Select); coding-DNA position 2808, C replaced by A.
Protein change: p.Asn936Lys; replaces asparagine 936 with lysine.
Molecular consequence: missense variant.
Genome position (GRCh38, 1-based): chr18:58,537,379, G>T on the plus strand (C>A on the coding strand, the complement: ALPK2 is on the minus strand). VCF-style: chr18-58537379-G-T. GRCh37 (hg19) VCF-style: chr18-56204611-G-T.
Other names: short protein forms N936K.
Identifiers: ClinVar variation 1796284 (VCV001796284.2), dbSNP rs113263677, ClinGen allele CA402569731.

ClinVar aggregate classification (germline): Uncertain significance (1 of 4 stars; one submission).

Submission:

Ambry Genetics
Classification: Uncertain significance. Last evaluated: 2022-05-25. Review status: criteria provided, single submitter. Criteria: Ambry Variant Classification Scheme 2023. Collection method: clinical testing. Allele origin: germline.
Comment: The p.N936K variant (also known as c.2808C>A), located in coding exon 4 of the ALPK2 gene, results from a C to A substitution at nucleotide position 2808. The asparagine at codon 936 is replaced by lysine, an amino acid with similar properties. This amino acid position is conserved. In addition, this alteration is predicted to be tolerated by in silico analysis. Since supporting evidence is limited at this time, the clinical significance of this alteration remains unclear.